The following is an entry in ClinVar:

NM_194248.1:c.5860_5862delATC

Gene: OTOF (otoferlin; minus strand). Cytogenetic location: 2p23-p22.
Variant type: Deletion.
Identifiers: ClinVar variation 21862 (VCV000021862.3).

ClinVar aggregate classification (germline): Pathogenic (0 of 4 stars; one submission).

Conditions:
Autosomal recessive nonsyndromic hearing loss 9. Also called: AUDITORY NEUROPATHY, AUTOSOMAL RECESSIVE, 1, TEMPERATURE-SENSITIVE; Deafness, autosomal recessive 9; OTOF-Related Hearing Loss; NEUROSENSORY NONSYNDROMIC RECESSIVE DEAFNESS 9. Identifiers: Orphanet 90636, MedGen C1832828, MONDO:0010986, OMIM 601071.

Submission:

GeneReviews
Classification: Pathogenic for OTOF-Related Deafness. Last evaluated: 2011-04-26. Review status: no assertion criteria provided. Collection method: curation. Allele origin: unknown.
ClinVar note: Converted during submission from pathologic to Pathogenic.